The following is an entry in ClinVar:

NM_000089.4(COL1A2):c.1354C>T (p.Leu452Phe)

Gene: COL1A2 (collagen type I alpha 2 chain; plus strand). Cytogenetic location: 7q21.3.
Variant type: single nucleotide variant.
Coding change: c.1354C>T on transcript NM_000089.4 (MANE Select); coding-DNA position 1354, C replaced by T.
Protein change: p.Leu452Phe; replaces leucine 452 with phenylalanine.
Molecular consequence: missense variant.
Genome position (GRCh38, 1-based): chr7:94,412,071, C>T. VCF-style: chr7-94412071-C-T. GRCh37 (hg19) VCF-style: chr7-94041383-C-T.
Other names: short protein forms L452F.
Identifiers: ClinVar variation 520947 (VCV000520947.10), dbSNP rs780096548, ClinGen allele CA4347021.

ClinVar aggregate classification (germline): Conflicting classifications of pathogenicity. Review status: criteria provided, conflicting classifications (1 of 4 stars). 3 submissions from 3 submitters: Uncertain significance (2); Likely benign (1). Last evaluated 2026-02-22.

Conditions:
Cardiovascular phenotype. Identifiers: MedGen CN230736.
Osteogenesis imperfecta type I (OI1). Also called: OI, TYPE I; OSTEOGENESIS IMPERFECTA TARDA; OSTEOGENESIS IMPERFECTA WITH BLUE SCLERAE; Lobstein's Disease; Classic Non-deforming Osteogenesis Imperfecta with Blue Sclerae; Lobstein disease. Identifiers: Orphanet 216796, Orphanet 666, MedGen C0023931, MONDO:0008146, OMIM 166200. Disease mechanism: loss of function.
Ehlers-Danlos syndrome, classic type, 1 (EDSCL1). Also called: Ehlers-Danlos Syndrome, Classic Type, COL5A1-Related; EDS I; Ehlers-Danlos syndrome, type 1; EHLERS-DANLOS SYNDROME, GRAVIS TYPE; EHLERS-DANLOS SYNDROME, SEVERE CLASSIC TYPE. Identifiers: MedGen C0268335, MONDO:0019567, OMIM 130000.

Allele frequency attached by ClinVar (database versions not stated): gnomAD exomes 0.00001 and below 0.00001; TOPMed below 0.00001; ExAC 0.00001; gnomAD 0.00001.
gnomAD v4.1: 9 of 1,611,356 alleles (0.00056%); highest among the groups gnomAD compares: Non-Finnish European, 0.00076%; no homozygotes.

Submissions (3):

Ambry Genetics
Classification: Likely benign for Cardiovascular phenotype. Last evaluated: 2026-02-22. Review status: criteria provided, single submitter. Criteria: Ambry Variant Classification Scheme 2023. Collection method: clinical testing. Allele origin: germline.

Labcorp Genetics (formerly Invitae), Labcorp
Classification: Uncertain significance for Osteogenesis imperfecta type I; Ehlers-Danlos syndrome, classic type, 1. Last evaluated: 2023-02-02. Review status: criteria provided, single submitter. Criteria: Invitae Variant Classification Sherloc (09022015). Collection method: clinical testing. Allele origin: germline.
Comment: This variant has not been reported in the literature in individuals affected with COL1A2-related conditions. This sequence change replaces leucine, which is neutral and non-polar, with phenylalanine, which is neutral and non-polar, at codon 452 of the COL1A2 protein (p.Leu452Phe). This variant is present in population databases (rs780096548, gnomAD 0.0009%). ClinVar contains an entry for this variant (Variation ID: 520947). Advanced modeling of protein sequence and biophysical properties (such as structural, functional, and spatial information, amino acid conservation, physicochemical variation, residue mobility, and thermodynamic stability) performed at Invitae indicates that this missense variant is not expected to disrupt COL1A2 protein function. In summary, the available evidence is currently insufficient to determine the role of this variant in disease. Therefore, it has been classified as a Variant of Uncertain Significance.

GeneDx
Classification: Uncertain significance. Last evaluated: 2020-01-14. Review status: criteria provided, single submitter. Criteria: GeneDx Variant Classification Process June 2021. Collection method: clinical testing. Allele origin: germline. Affected: yes.
Comment: Has not been previously published as pathogenic or benign to our knowledge; Reported in ClinVar as a variant of uncertain significance (ClinVar Variant ID# 520947; Landrum et al., 2016); Not observed at a significant frequency in large population cohorts (Lek et al., 2016); In silico analysis, which includes protein predictors and evolutionary conservation, supports a deleterious effect; Occurs in the triple helical domain at the X position in the canonical Gly-X-Y repeat; although this variant may have an effect on normal protein folding and function, missense substitution at the X position is not a common mechanism of disease (Stenson et al., 2014)